The following is an entry in ClinVar:

ClinVar aggregate classification (germline): Likely pathogenic. Review status: criteria provided, multiple submitters, no conflicts (2 of 4 stars). 2 submissions from 2 submitters: Likely pathogenic (2). Last evaluated 2025-06-19.

Conditions:
Deafness-lymphedema-leukemia syndrome. Also called: Lymphedema, primary, with myelodysplasia; Emberger syndrome. Identifiers: Orphanet 3226, MedGen C3279664, MONDO:0013540, OMIM 614038.

Submissions (2):

GeneDx
Classification: Likely pathogenic. Last evaluated: 2025-06-19. Review status: criteria provided, single submitter. Criteria: GeneDx Variant Classification Process June 2021. Collection method: clinical testing. Allele origin: germline. Affected: yes.
Comment: In silico analysis supports that this missense variant has a deleterious effect on protein structure/function; Not observed at significant frequency in large population cohorts (gnomAD); This variant is associated with the following publications: (PMID: 1714909, 28179282, 32558139, 36964972, 37837580)

Mendelics
Classification: Likely pathogenic for Deafness-lymphedema-leukemia syndrome. Last evaluated: 2019-05-28. Review status: criteria provided, single submitter. Criteria: Mendelics Assertion Criteria 2017. Collection method: clinical testing. Allele origin: unknown.

NM_032638.5(GATA2):c.1046G>A (p.Cys349Tyr)

Gene: GATA2 (GATA binding protein 2; minus strand). Cytogenetic location: 3q21.3.
Variant type: single nucleotide variant.
Coding change: c.1046G>A on transcript NM_032638.5 (MANE Select); coding-DNA position 1046, G replaced by A.
Protein change: p.Cys349Tyr; replaces cysteine 349 with tyrosine.
Molecular consequence: missense variant. On other transcripts: intron variant (1).
Genome position (GRCh38, 1-based): chr3:128,481,916, C>T on the plus strand (G>A on the coding strand, the complement: GATA2 is on the minus strand). VCF-style: chr3-128481916-C-T. GRCh37 (hg19) VCF-style: chr3-128200759-C-T.
Other names: c.1046G>A (NM_032638.4); c.1046G>A, p.Cys349Tyr (NM_001145661.2); c.1018-14G>A (NM_001145662.1); short protein forms C349Y.
Identifiers: ClinVar variation 802000 (VCV000802000.2), dbSNP rs1576745256, ClinGen allele CA354413656.